The following is an entry in ClinVar:

ClinVar aggregate classification (germline): Uncertain significance (1 of 4 stars; one submission).

Allele frequency attached by ClinVar (database versions not stated): gnomAD 0.00001; gnomAD exomes 0.00001; TOPMed 0.00001.

Submission:

Labcorp Genetics (formerly Invitae), Labcorp
Classification: Uncertain significance. Last evaluated: 2018-09-06. Review status: criteria provided, single submitter. Criteria: Invitae Variant Classification Sherloc (09022015). Collection method: clinical testing. Allele origin: germline.
Comment: This sequence change replaces leucine with phenylalanine at codon 945 of the PLEKHM2 protein (p.Leu945Phe). The leucine residue is moderately conserved and there is a small physicochemical difference between leucine and phenylalanine. This variant is not present in population databases (ExAC no frequency). This variant has not been reported in the literature in individuals with PLEKHM2-related disease. Algorithms developed to predict the effect of missense changes on protein structure and function are either unavailable or do not agree on the potential impact of this missense change (SIFT: "Tolerated"; PolyPhen-2: "Possibly Damaging"; Align-GVGD: "Class C0"). In summary, the available evidence is currently insufficient to determine the role of this variant in disease. Therefore, it has been classified as a Variant of Uncertain Significance.

NM_015164.4(PLEKHM2):c.2833C>T (p.Leu945Phe)

Gene: PLEKHM2 (pleckstrin homology and RUN domain containing M2; plus strand). Cytogenetic location: 1p36.21.
Variant type: single nucleotide variant.
Coding change: c.2833C>T on transcript NM_015164.4 (MANE Select); coding-DNA position 2833, C replaced by T.
Protein change: p.Leu945Phe; replaces leucine 945 with phenylalanine.
Molecular consequence: missense variant.
Genome position (GRCh38, 1-based): chr1:15,732,639, C>T. VCF-style: chr1-15732639-C-T. GRCh37 (hg19) VCF-style: chr1-16059134-C-T.
Other names: short protein forms L945F.
Identifiers: ClinVar variation 645615 (VCV000645615.8), dbSNP rs535480952, ClinGen allele CA18268893.
Genomic context (GRCh38, chr1:15,732,639, plus strand): 5'-TGGCTGCTCACCCGGGGGCCTGGCTCTCCCTAGGAGTTCTCCCAGGACAGCCAGCAGCTC[C>T]TCCCGCCCTGGGTCATCTACCTGAGCTGCACTTCTGAACTGGACCGATTGCTGTCTGCAC-3'
Protein context (NP_055979.2, residues 935-955): LEFSQDSQQL[Leu945Phe]PPWVIYLSCT